The following is an entry in ClinVar:

NM_003611.3(OFD1):c.2261-6C>G

Gene: OFD1 (OFD1 centriole and centriolar satellite protein; plus strand). Cytogenetic location: Xp22.2.
Variant type: single nucleotide variant.
Coding change: c.2261-6C>G on transcript NM_003611.3 (MANE Select); 6 bases into the intron before coding-DNA position 2261, C replaced by G.
Molecular consequence: intron variant.
Genome position (GRCh38, 1-based): chrX:13,761,079, C>G. VCF-style: chrX-13761079-C-G. GRCh37 (hg19) VCF-style: chrX-13779198-C-G.
Other names: c.1841-6C>G (NM_001330210.2); c.2141-6C>G (NM_001330209.2).
Identifiers: ClinVar variation 463454 (VCV000463454.9), dbSNP rs769923969, ClinGen allele CA658658929.

ClinVar aggregate classification (germline): Likely pathogenic (1 of 4 stars; one submission).

Conditions:
Joubert syndrome. Also called: CEREBELLOPARENCHYMAL DISORDER IV; JOUBERT-BOLTSHAUSER SYNDROME; Familial aplasia of the vermis. Identifiers: Orphanet 475, MedGen C5979921, MONDO:0018772.
Orofaciodigital syndrome I (OFD1). Also called: OFDS I; Papillon-Leage and Psaume Syndrome; Oral-Facial-Digital Syndrome Type I. Identifiers: Orphanet 2750, MedGen C1510460, MONDO:0010702, OMIM 311200.

Submission:

Labcorp Genetics (formerly Invitae), Labcorp
Classification: Likely pathogenic for Orofaciodigital syndrome I; Joubert syndrome. Last evaluated: 2017-06-19. Review status: criteria provided, single submitter. Criteria: Invitae Variant Classification Sherloc (09022015). Collection method: clinical testing. Allele origin: germline.
Comment: In summary, the currently available evidence indicates that the variant is pathogenic, but additional data are needed to prove that conclusively. Therefore, this variant has been classified as Likely Pathogenic. Algorithms developed to predict the effect of sequence changes on RNA splicing suggest that this variant may disrupt the consensus splice site, but this prediction has not been confirmed by published transcriptional studies. This variant is not present in population databases (ExAC no frequency). This sequence change falls in intron 16 of the OFD1 gene. It does not directly change the encoded amino acid sequence of the OFD1 protein.